The following is an entry in ClinVar:

NM_006939.4(SOS2):c.1564A>C (p.Ile522Leu)

Gene: SOS2 (SOS Ras/Rho guanine nucleotide exchange factor 2; minus strand). Cytogenetic location: 14q21.3.
Variant type: single nucleotide variant.
Coding change: c.1564A>C on transcript NM_006939.4 (MANE Select); coding-DNA position 1564, A replaced by C.
Protein change: p.Ile522Leu; replaces isoleucine 522 with leucine.
Molecular consequence: missense variant.
Genome position (GRCh38, 1-based): chr14:50,159,719, T>G on the plus strand (A>C on the coding strand, the complement: SOS2 is on the minus strand). VCF-style: chr14-50159719-T-G. GRCh37 (hg19) VCF-style: chr14-50626437-T-G.
Other names: c.1465A>C, p.Ile489Leu (NM_001411020.1); short protein forms I489L, I522L.
Identifiers: ClinVar variation 4801988 (VCV004801988.1).

ClinVar aggregate classification (germline): Uncertain significance (1 of 4 stars; one submission).

Conditions:
Noonan syndrome 9 (NS9). Identifiers: Orphanet 648, MedGen C4225282, MONDO:0014691, OMIM 616559.

Submission:

Labcorp Genetics (formerly Invitae), Labcorp
Classification: Uncertain significance for Noonan syndrome 9. Last evaluated: 2025-06-06. Review status: criteria provided, single submitter. Criteria: Invitae Variant Classification Sherloc (09022015). Collection method: clinical testing. Allele origin: germline.
Comment: This sequence change replaces isoleucine, which is neutral and non-polar, with leucine, which is neutral and non-polar, at codon 522 of the SOS2 protein (p.Ile522Leu). This variant is not present in population databases (gnomAD no frequency). This variant has not been reported in the literature in individuals affected with SOS2-related conditions. Invitae Evidence Modeling of protein sequence and biophysical properties (such as structural, functional, and spatial information, amino acid conservation, physicochemical variation, residue mobility, and thermodynamic stability) indicates that this missense variant is not expected to disrupt SOS2 protein function with a negative predictive value of 95%. In summary, the available evidence is currently insufficient to determine the role of this variant in disease. Therefore, it has been classified as a Variant of Uncertain Significance.